The following is an entry in ClinVar:

ClinVar aggregate classification (germline): Benign/Likely benign. Review status: criteria provided, multiple submitters, no conflicts (2 of 4 stars). 5 submissions from 5 submitters: Benign (1); Likely benign (4). Last evaluated 2026-08-01.

Allele frequency attached by ClinVar (database versions not stated): ESP Exome Variant Server 0.00092; gnomAD 0.00102 and 0.00108; TOPMed 0.00116; ExAC 0.00120; 1000 Genomes Project 30x 0.00125; gnomAD exomes 0.00129 and 0.00157; 1000 Genomes Project 0.00140.
gnomAD v4.1: 2,468 of 1,613,784 alleles (0.15%); highest among the groups gnomAD compares: Middle Eastern, 0.35%; 5 homozygotes.

Submissions (5):

CeGaT Center for Human Genetics Tuebingen
Classification: Likely benign. Last evaluated: 2026-08-01. Review status: criteria provided, single submitter. Criteria: CeGaT Center For Human Genetics Tuebingen Variant Classification Criteria Version 2. Collection method: clinical testing. Allele origin: germline. Affected: yes. Observed: 6 variant alleles.
Comment: SPTB: BP4, BP7

Labcorp Genetics (formerly Invitae), Labcorp
Classification: Benign. Last evaluated: 2026-01-06. Review status: criteria provided, single submitter. Criteria: Invitae Variant Classification Sherloc (09022015). Collection method: clinical testing. Allele origin: germline.

Blueprint Genetics
Classification: Likely benign. Last evaluated: 2024-11-17. Review status: criteria provided, single submitter. Criteria: ACMG Guidelines, 2015. Collection method: clinical testing. Allele origin: germline.

ARUP Laboratories, Molecular Genetics and Genomics, ARUP Laboratories
Classification: Likely benign. Last evaluated: 2024-09-20. Review status: criteria provided, single submitter. Criteria: ARUP Molecular Germline Variant Investigation Process 2024. Collection method: clinical testing. Allele origin: germline.

PreventionGenetics, part of Exact Sciences
Classification: Likely benign. Review status: criteria provided, single submitter. Criteria: ACMG Guidelines, 2015. Collection method: clinical testing. Allele origin: germline.

NM_001355436.2(SPTB):c.3015C>T (p.Ala1005=)

Gene: SPTB (spectrin beta, erythrocytic; minus strand). Cytogenetic location: 14q23.3.
Variant type: single nucleotide variant.
Coding change: c.3015C>T on transcript NM_001355436.2 (MANE Select); coding-DNA position 3015, C replaced by T.
Protein change: p.Ala1005=; no amino-acid change (alanine 1005 retained).
Molecular consequence: synonymous variant.
Genome position (GRCh38, 1-based): chr14:64,786,950, G>A on the plus strand (C>T on the coding strand, the complement: SPTB is on the minus strand). VCF-style: chr14-64786950-G-A. GRCh37 (hg19) VCF-style: chr14-65253668-G-A.
Other names: c.3015C>T, p.Ala1005= (NM_001024858.4, NM_001355437.2).
Identifiers: ClinVar variation 257107 (VCV000257107.36), dbSNP rs147235045, ClinGen allele CA7230711.